The following is an entry in ClinVar:

ClinVar aggregate classification (germline): Uncertain significance (1 of 4 stars; one submission).

Submission:

GeneDx
Classification: Uncertain significance. Last evaluated: 2023-05-08. Review status: criteria provided, single submitter. Criteria: GeneDx Variant Classification Process June 2021. Collection method: clinical testing. Allele origin: germline. Affected: yes.
Comment: Not observed at significant frequency in large population cohorts (gnomAD); In silico analysis supports that this missense variant does not alter protein structure/function; Has not been previously published as pathogenic or benign to our knowledge

NM_138615.3(DHX30):c.808A>G (p.Thr270Ala)

Gene: DHX30 (DExH-box helicase 30; plus strand). Cytogenetic location: 3p21.31.
Variant type: single nucleotide variant.
Coding change: c.808A>G on transcript NM_138615.3 (MANE Select); coding-DNA position 808, A replaced by G.
Protein change: p.Thr270Ala; replaces threonine 270 with alanine.
Molecular consequence: missense variant.
Genome position (GRCh38, 1-based): chr3:47,843,124, A>G. VCF-style: chr3-47843124-A-G. GRCh37 (hg19) VCF-style: chr3-47884614-A-G.
Other names: c.724A>G, p.Thr242Ala (NM_001330990.2); c.691A>G, p.Thr231Ala (NM_014966.4); short protein forms T231A, T242A, T270A.
Identifiers: ClinVar variation 2663694 (VCV002663694.1), dbSNP rs2549287458, ClinGen allele CA352584989.